The following is an entry in ClinVar:

NM_000138.5(FBN1):c.4011dup (p.Val1338fs)

Gene: FBN1 (fibrillin 1; minus strand). Cytogenetic location: 15q21.1.
Variant type: Duplication.
Coding change: c.4011dup on transcript NM_000138.5 (MANE Select); coding-DNA position 4011, one base duplicated (T; older notation c.4011dupT).
Protein change: p.Val1338fs; shifts the reading frame from valine 1338.
Molecular consequence: frameshift variant.
Genome position (GRCh38, 1-based): chr15:48,474,604, A duplicated on the plus strand (T on the coding strand, the reverse complement: FBN1 is on the minus strand). VCF-style (leftmost placement, unchanged base first): chr15-48474603-C-CA. GRCh37 (hg19) VCF-style: chr15-48766800-C-CA.
Other names: c.4011dup, p.Val1338fs (NM_001406716.1); short protein forms V1338fs.
Identifiers: ClinVar variation 2953885 (VCV002953885.3), dbSNP rs2505518809, ClinGen allele CA2740096597.

ClinVar aggregate classification (germline): Pathogenic (1 of 4 stars; one submission).

Conditions:
Marfan syndrome (MFS). Also called: MARFAN SYNDROME, TYPE I; Marfan syndrome type 1; Marfan's syndrome; Marfan syndrome, classic; FBN1-Related Marfan Syndrome. Identifiers: Orphanet 284963, Orphanet 558, MedGen C0024796, MONDO:0007947, OMIM 154700.
Familial thoracic aortic aneurysm and aortic dissection (TAAD). Also called: Thoracic aortic aneurysms and dissections. Identifiers: Orphanet 91387, MedGen C4707243, MONDO:0019625.

Submission:

Labcorp Genetics (formerly Invitae), Labcorp
Classification: Pathogenic for Marfan syndrome; Familial thoracic aortic aneurysm and aortic dissection. Last evaluated: 2023-11-15. Review status: criteria provided, single submitter. Criteria: Invitae Variant Classification Sherloc (09022015). Collection method: clinical testing. Allele origin: germline.
Comment: This sequence change creates a premature translational stop signal (p.Val1338Cysfs*12) in the FBN1 gene. It is expected to result in an absent or disrupted protein product. Loss-of-function variants in FBN1 are known to be pathogenic (PMID: 17657824, 19293843). This variant is not present in population databases (gnomAD no frequency). This variant has not been reported in the literature in individuals affected with FBN1-related conditions. For these reasons, this variant has been classified as Pathogenic.

Literature cited by the submitters: PubMed 17657824; PubMed 19293843.